The following is an entry in ClinVar:

NM_058179.4(PSAT1):c.*865C>G

Gene: PSAT1 (phosphoserine aminotransferase 1; plus strand). Cytogenetic location: 9q21.2.
Variant type: single nucleotide variant.
Coding change: c.*865C>G on transcript NM_058179.4 (MANE Select); 865 bases downstream of the stop codon, C replaced by G.
Molecular consequence: 3 prime UTR variant.
Genome position (GRCh38, 1-based): chr9:78,329,951, C>G. VCF-style: chr9-78329951-C-G. GRCh37 (hg19) VCF-style: chr9-80944867-C-G.
Other names: c.*865C>G (NM_021154.5).
Identifiers: ClinVar variation 367470 (VCV000367470.5), dbSNP rs529821810, ClinGen allele CA10634447.

ClinVar aggregate classification (germline): Likely benign (1 of 4 stars; one submission).

Conditions:
PSAT deficiency. Identifiers: Orphanet 284417, MedGen C1970253, MONDO:0012596, OMIM 610992.

Allele frequency attached by ClinVar (database versions not stated): 1000 Genomes Project 0.00200; gnomAD 0.00247 and 0.00257; 1000 Genomes Project 30x 0.00281; TOPMed 0.00297.
gnomAD v4.1: 370 of 152,262 alleles (0.24%); highest among the groups gnomAD compares: African/African-American, 0.82%; no homozygotes.

Submission:

Illumina Laboratory Services, Illumina
Classification: Likely benign for PSAT deficiency. Last evaluated: 2018-01-13. Review status: criteria provided, single submitter. Criteria: ICSL Variant Classification Criteria 13 December 2019. Collection method: clinical testing. Allele origin: germline.
Comment: This variant was observed in the ICSL laboratory as part of a predisposition screen in an ostensibly healthy population. It had not been previously curated by ICSL or reported in the Human Gene Mutation Database (HGMD: prior to June 1st, 2018), and was therefore a candidate for classification through an automated scoring system. Utilizing variant allele frequency, disease prevalence and penetrance estimates, and inheritance mode, an automated score was calculated to assess if this variant is too frequent to cause the disease. Based on the score and internal cut-off values, a variant classified as likely benign is not then subjected to further curation. The score for this variant resulted in a classification of likely benign for this disease.